The following is an entry in ClinVar:

ClinVar aggregate classification (germline): Pathogenic (1 of 4 stars; one submission).

Conditions:
Glycogen storage disease, type II (IOPD). Also called: CARDIOMEGALIA GLYCOGENICA DIFFUSA; GLYCOGENOSIS, GENERALIZED, CARDIAC FORM; GSD II; Glycogen storage disease type 2; Acid maltase deficiency disease; Aglucosidase alfa. Identifiers: Orphanet 365, MedGen C0017921, MONDO:0009290, OMIM 232300.

Submission:

Myriad Genetics, Inc.
Classification: Pathogenic for Glycogen storage disease, type II. Last evaluated: 2023-09-27. Review status: criteria provided, single submitter. Criteria: Myriad Autosomal Dominant, Autosomal Recessive and X-Linked Classification Criteria (2023). Collection method: clinical testing. Allele origin: unknown.
Comment: NM_000152.3(GAA):c.1930dupG(A644Gfs*93) is expected to be pathogenic in the context of Pompe disease. This variant is predicted to lead to an abnormal or absent protein product due to the creation of a premature termination codon in GAA, a gene where loss-of-function variants are known to be pathogenic. Please note: this variant was assessed in the context of healthy population screening.

NM_000152.5(GAA):c.1930dup (p.Ala644fs)

Gene: GAA (alpha glucosidase; plus strand). Cytogenetic location: 17q25.3.
Variant type: Duplication.
Coding change: c.1930dup on transcript NM_000152.5 (MANE Select); coding-DNA position 1930, one base duplicated (G; older notation c.1930dupG).
Protein change: p.Ala644fs; shifts the reading frame from alanine 644.
Molecular consequence: frameshift variant.
Genome position (GRCh38, 1-based): chr17:80,112,917, G duplicated; the last of 4 consecutive G bases (chr17:80,112,914-80,112,917); duplicating any one gives the same sequence. VCF-style (leftmost placement, unchanged base first): chr17-80112913-C-CG. GRCh37 (hg19) VCF-style: chr17-78086712-C-CG.
Other names: c.1930dup, p.Ala644fs (NM_001079803.3, NM_001079804.3, NM_001406741.1 and 1 more transcripts); short protein forms A644fs.
Identifiers: ClinVar variation 5012069 (VCV005012069.1).